The following is an entry in ClinVar:

ClinVar aggregate classification (germline): Likely benign (1 of 4 stars; one submission).

Conditions:
Familial cancer of breast. Also called: hereditary breast carcinoma; Hereditary breast cancer; BREAST CANCER, FAMILIAL. Identifiers: Orphanet 227535, MedGen C0346153, MONDO:0016419, OMIM 114480. Disease mechanism: loss of function.

Submission:

Myriad Genetics, Inc.
Classification: Likely benign for Familial cancer of breast. Last evaluated: 2024-08-09. Review status: criteria provided, single submitter. Criteria: Myriad Autosomal Dominant, Autosomal Recessive and X-Linked Classification Criteria (2023). Collection method: clinical testing. Allele origin: unknown.
Comment: This variant is considered likely benign. This variant is intronic and is not expected to impact mRNA splicing.

NM_032043.3(BRIP1):c.93+7A>G

Gene: BRIP1 (BRCA1 interacting DNA helicase 1; minus strand). Cytogenetic location: 17q23.2.
Variant type: single nucleotide variant.
Coding change: c.93+7A>G on transcript NM_032043.3 (MANE Select); 7 bases into the intron after coding-DNA position 93, A replaced by G.
Molecular consequence: intron variant.
Genome position (GRCh38, 1-based): chr17:61,861,440, T>C on the plus strand (A>G on the coding strand, the complement: BRIP1 is on the minus strand). VCF-style: chr17-61861440-T-C. GRCh37 (hg19) VCF-style: chr17-59938801-T-C.
Identifiers: ClinVar variation 3378610 (VCV003378610.1).